The following is an entry in ClinVar:

NM_018670.4(MESP1):c.157G>C (p.Ala53Pro)

Genes: MESP1 (mesoderm posterior bHLH transcription factor 1; minus strand), LOC130057889 (ATAC-STARR-seq lymphoblastoid silent region 6804; plus strand). Cytogenetic location: 15q26.1.
Variant type: single nucleotide variant.
Coding change: c.157G>C on transcript NM_018670.4 (MANE Select); coding-DNA position 157, G replaced by C.
Protein change: p.Ala53Pro; replaces alanine 53 with proline.
Molecular consequence: missense variant.
Genome position (GRCh38, 1-based): chr15:89,751,075, C>G on the plus strand (G>C on the coding strand, the complement: MESP1 is on the minus strand). VCF-style: chr15-89751075-C-G. GRCh37 (hg19) VCF-style: chr15-90294306-C-G.
Other names: c.157G>C (NM_018670.3); short protein forms A53P.
Identifiers: ClinVar variation 1598905 (VCV001598905.11), dbSNP rs6496598, ClinGen allele CA7730298.

ClinVar aggregate classification (germline): Benign. Review status: criteria provided, multiple submitters, no conflicts (2 of 4 stars). 3 submissions from 3 submitters: Benign (2). 1 of the submissions does not count toward it. Last evaluated 2026-02-03.

Conditions:
MESP1-related disorder. Also called: MESP1-related condition.

Allele frequency attached by ClinVar (database versions not stated): gnomAD 0.32782 and 0.33336; ExAC 0.47565; 1000 Genomes Project 0.53435; gnomAD exomes 0.33814 and 0.28103; TOPMed 0.60143.
gnomAD v4.1: 377,114 of 1,315,716 alleles (29%); highest among the groups gnomAD compares: African/African-American, 52%; 58,559 homozygotes.

Submissions (3):

Labcorp Genetics (formerly Invitae), Labcorp
Classification: Benign. Last evaluated: 2026-02-03. Review status: criteria provided, single submitter. Criteria: Invitae Variant Classification Sherloc (09022015). Collection method: clinical testing. Allele origin: germline.

Breakthrough Genomics
Classification: Benign. Review status: criteria provided, single submitter. Criteria: ACMG Guidelines, 2015. Collection method: not provided. Allele origin: germline. Inheritance: Unknown mechanism. Affected: yes.

PreventionGenetics, part of Exact Sciences
Classification: Benign for MESP1-related condition. Last evaluated: 2019-11-11. Review status: no assertion criteria provided. Collection method: clinical testing. Allele origin: germline. Not counted in ClinVar's aggregate classification.
Comment: This variant is classified as benign based on ACMG/AMP sequence variant interpretation guidelines (Richards et al. 2015 PMID: 25741868, with internal and published modifications).